The following is an entry in ClinVar:

NM_006950.3(SYN1):c.1739C>T (p.Ala580Val)

Gene: SYN1 (synapsin I; minus strand). Cytogenetic location: Xp11.3.
Variant type: single nucleotide variant.
Coding change: c.1739C>T on transcript NM_006950.3 (MANE Select); coding-DNA position 1739, C replaced by T.
Protein change: p.Ala580Val; replaces alanine 580 with valine.
Molecular consequence: missense variant.
Genome position (GRCh38, 1-based): chrX:47,574,245, G>A on the plus strand (C>T on the coding strand, the complement: SYN1 is on the minus strand). VCF-style: chrX-47574245-G-A. GRCh37 (hg19) VCF-style: chrX-47433644-G-A.
Other names: c.1739C>T, p.Ala580Val (NM_133499.2); short protein forms A580V.
Identifiers: ClinVar variation 998549 (VCV000998549.9), dbSNP rs2057769764, ClinGen allele CA412822731.

ClinVar aggregate classification (germline): Uncertain significance (1 of 4 stars; one submission).

Conditions:
Epilepsy, X-linked 1, with variable learning disabilities and behavior disorders. Also called: X-linked epilepsy-learning disabilities-behavior disorders syndrome. Identifiers: Orphanet 85294, MedGen C5774177, MONDO:0010339, OMIM 300491.

Submission:

Labcorp Genetics (formerly Invitae), Labcorp
Classification: Uncertain significance for Epilepsy, X-linked 1, with variable learning disabilities and behavior disorders. Last evaluated: 2024-01-06. Review status: criteria provided, single submitter. Criteria: Invitae Variant Classification Sherloc (09022015). Collection method: clinical testing. Allele origin: germline.
Comment: This sequence change replaces alanine, which is neutral and non-polar, with valine, which is neutral and non-polar, at codon 580 of the SYN1 protein (p.Ala580Val). This variant is not present in population databases (gnomAD no frequency). This variant has not been reported in the literature in individuals affected with SYN1-related conditions. ClinVar contains an entry for this variant (Variation ID: 998549). Algorithms developed to predict the effect of missense changes on protein structure and function output the following: SIFT: "Not Available"; PolyPhen-2: "Not Available"; Align-GVGD: "Not Available". The valine amino acid residue is found in multiple mammalian species, which suggests that this missense change does not adversely affect protein function. In summary, the available evidence is currently insufficient to determine the role of this variant in disease. Therefore, it has been classified as a Variant of Uncertain Significance.